The following is an entry in ClinVar:

NM_002764.4(PRPS1):c.700_702del (p.Asp234del)

Gene: PRPS1 (phosphoribosyl pyrophosphate synthetase 1; plus strand). Cytogenetic location: Xq22.3.
Variant type: Deletion.
Coding change: c.700_702del on transcript NM_002764.4 (MANE Select); coding-DNA positions 700 to 702, 3 bases deleted (GAC; older notation c.700_702delGAC).
Protein change: p.Asp234del; deletes aspartic acid 234.
Molecular consequence: inframe deletion.
Genome position (GRCh38, 1-based): chrX:107,645,346-107,645,348, GAC deleted. VCF-style (leftmost placement, unchanged base first): chrX-107645345-TGAC-T. GRCh37 (hg19) VCF-style: chrX-106888575-TGAC-T.
Other names: c.88_90del, p.Asp30del (NM_001204402.2); short protein forms D234del, D30del.
Identifiers: ClinVar variation 2813134 (VCV002813134.3), dbSNP rs2521346068, ClinGen allele CA2739273690.

ClinVar aggregate classification (germline): Uncertain significance (1 of 4 stars; one submission).

Conditions:
Charcot-Marie-Tooth Neuropathy X. Identifiers: MedGen CN118851.

Submission:

Labcorp Genetics (formerly Invitae), Labcorp
Classification: Uncertain significance for Charcot-Marie-Tooth Neuropathy X. Last evaluated: 2022-11-16. Review status: criteria provided, single submitter. Criteria: Invitae Variant Classification Sherloc (09022015). Collection method: clinical testing. Allele origin: germline.
Comment: This variant, c.700_702del, results in the deletion of 1 amino acid(s) of the PRPS1 protein (p.Asp234del), but otherwise preserves the integrity of the reading frame. This variant is not present in population databases (gnomAD no frequency). In summary, the available evidence is currently insufficient to determine the role of this variant in disease. Therefore, it has been classified as a Variant of Uncertain Significance. Experimental studies and prediction algorithms are not available or were not evaluated, and the functional significance of this variant is currently unknown. This variant has not been reported in the literature in individuals affected with PRPS1-related conditions.